The following is an entry in ClinVar:

NM_000138.5(FBN1):c.7476G>C (p.Lys2492Asn)

Gene: FBN1 (fibrillin 1; minus strand). Cytogenetic location: 15q21.1.
Variant type: single nucleotide variant.
Coding change: c.7476G>C on transcript NM_000138.5 (MANE Select); coding-DNA position 7476, G replaced by C.
Protein change: p.Lys2492Asn; replaces lysine 2492 with asparagine.
Molecular consequence: missense variant.
Genome position (GRCh38, 1-based): chr15:48,422,046, C>G on the plus strand (G>C on the coding strand, the complement: FBN1 is on the minus strand). VCF-style: chr15-48422046-C-G. GRCh37 (hg19) VCF-style: chr15-48714243-C-G.
Other names: c.7476G>C, p.Lys2492Asn (NM_001406716.1); short protein forms K2492N.
Identifiers: ClinVar variation 3386757 (VCV003386757.1).
Genomic context (GRCh38, chr15:48,422,046, plus strand): 5'-AGGACATTTGCATGTGAAGCCGCCAATGGTGTTAACACATAGGAACTGGCAGTTGTGTTG[C>G]TTGGTTGCACACTCATCAAGATCTACAAGAAAATGCAAGAGAGGCATTTGAGTCAAGCCA-3'
Protein context (NP_000129.3, residues 2482-2502): SCKDLDECAT[Lys2492Asn]QHNCQFLCVN

ClinVar aggregate classification (germline): Uncertain significance (1 of 4 stars; one submission).

Conditions:
Marfan syndrome (MFS). Also called: MARFAN SYNDROME, TYPE I; Marfan syndrome type 1; Marfan's syndrome; FBN1-Related Marfan Syndrome; Marfan syndrome, classic. Identifiers: Orphanet 284963, Orphanet 558, MedGen C0024796, MONDO:0007947, OMIM 154700.

Submission:

All of Us Research Program, National Institutes of Health
Classification: Uncertain significance for Marfan syndrome. Last evaluated: 2024-05-14. Review status: criteria provided, single submitter. Criteria: ACMG Guidelines, 2015. Collection method: clinical testing. Allele origin: germline. Inheritance: Autosomal dominant inheritance. Observed: 1 variant allele, 1 heterozygote.
Comment: This missense variant replaces lysine with asparagine at codon 2492 of the FBN1 protein. Computational prediction is inconclusive regarding the impact of this variant on protein structure and function (internally defined REVEL score threshold 0.5 < inconclusive < 0.7, PMID: 27666373). To our knowledge, functional studies have not been reported for this variant. This variant has not been reported in individuals affected with FBN1-related disorders in the literature. This variant has not been identified in the general population by the Genome Aggregation Database (gnomAD). The available evidence is insufficient to determine the role of this variant in disease conclusively. Therefore, this variant is classified as a Variant of Uncertain Significance.

This study involves interpretation of variants in research participants for the purpose of population health screening. Participant phenotype was not available at the time of variant classification. Additional details can be found in publication PMID: 35346344, PMCID: PMC8962531